The following is an entry in ClinVar:

ClinVar aggregate classification (germline): Benign. Review status: criteria provided, single submitter (1 of 4 stars). 3 submissions from 3 submitters: Benign (1). 2 of the submissions do not count toward it. Last evaluated 2026-01-28.

Conditions:
ARSB-related disorder. Also called: ARSB-related condition.
Mucopolysaccharidosis type 6 (MPS6). Also called: N-ACETYLGALACTOSAMINE-4-SULFATASE DEFICIENCY; MPS VI; MPS 6; Maroteaux Lamy syndrome; ARSB DEFICIENCY; ARYLSULFATASE B DEFICIENCY. Identifiers: Orphanet 583, MedGen C0026709, MONDO:0009661, OMIM 253200.

Allele frequency attached by ClinVar (database versions not stated): gnomAD exomes 0.00015 and 0.00025; ExAC 0.00027; 1000 Genomes Project 0.00080; 1000 Genomes Project 30x 0.00094; gnomAD 0.00099 and 0.00106; TOPMed 0.00108; ESP Exome Variant Server 0.00146.
gnomAD v4.1: 374 of 1,614,038 alleles (0.023%); highest among the groups gnomAD compares: African/African-American, 0.38%; no homozygotes.

Submissions (3):

Labcorp Genetics (formerly Invitae), Labcorp
Classification: Benign for Mucopolysaccharidosis type 6. Last evaluated: 2026-01-28. Review status: criteria provided, single submitter. Criteria: Invitae Variant Classification Sherloc (09022015). Collection method: clinical testing. Allele origin: germline.

PreventionGenetics, part of Exact Sciences
Classification: Likely benign for ARSB-related condition. Last evaluated: 2024-08-08. Review status: no assertion criteria provided. Collection method: clinical testing. Allele origin: germline. Not counted in ClinVar's aggregate classification.
Comment: This variant is classified as likely benign based on ACMG/AMP sequence variant interpretation guidelines (Richards et al. 2015 PMID: 25741868, with internal and published modifications).

Mayo Clinic Laboratories, Mayo Clinic
Classification: Likely benign. Last evaluated: 2017-05-16. Review status: no assertion criteria provided. Collection method: clinical testing. Allele origin: unknown. Not counted in ClinVar's aggregate classification.

NM_000046.5(ARSB):c.903C>T (p.Asn301=)

Gene: ARSB (arylsulfatase B; minus strand). Cytogenetic location: 5q14.1.
Variant type: single nucleotide variant.
Coding change: c.903C>T on transcript NM_000046.5 (MANE Select); coding-DNA position 903, C replaced by T.
Protein change: p.Asn301=; no amino-acid change (asparagine 301 retained).
Molecular consequence: synonymous variant.
Genome position (GRCh38, 1-based): chr5:78,885,823, G>A on the plus strand (C>T on the coding strand, the complement: ARSB is on the minus strand). VCF-style: chr5-78885823-G-A. GRCh37 (hg19) VCF-style: chr5-78181646-G-A.
Other names: c.903C>T, p.Asn301= (NM_198709.3).
Identifiers: ClinVar variation 558774 (VCV000558774.16), dbSNP rs147495977, ClinGen allele CA3318152.